The following is an entry in ClinVar:

NM_000206.3(IL2RG):c.594+1G>A

Gene: IL2RG (interleukin 2 receptor subunit gamma; minus strand). Cytogenetic location: Xq13.1.
Variant type: single nucleotide variant.
Coding change: c.594+1G>A on transcript NM_000206.3 (MANE Select); the canonical splice donor site of the intron after coding-DNA position 594, G replaced by A.
Molecular consequence: splice donor variant.
Genome position (GRCh38, 1-based): chrX:71,110,155, C>T on the plus strand (G>A on the coding strand, the complement: IL2RG is on the minus strand). VCF-style: chrX-71110155-C-T. GRCh37 (hg19) VCF-style: chrX-70330005-C-T.
Identifiers: ClinVar variation 2138601 (VCV002138601.4), dbSNP rs2519646504, ClinGen allele CA413496186.

ClinVar aggregate classification (germline): Pathogenic (1 of 4 stars; one submission).

Conditions:
X-linked severe combined immunodeficiency (SCIDX1). Also called: X-Linked Combined Immunodeficiency Diseases; IMMUNODEFICIENCY 4; SCID, X-LINKED; SEVERE COMBINED IMMUNODEFICIENCY, X-LINKED, T CELL-NEGATIVE, B CELL-POSITIVE, NK CELL-NEGATIVE; T-B+ severe combined immunodeficiency due to gamma chain deficiency. Identifiers: Orphanet 276, MedGen C6022468, MONDO:0010315, OMIM 300400. Disease mechanism: loss of function.

Submission:

Labcorp Genetics (formerly Invitae), Labcorp
Classification: Pathogenic for X-linked severe combined immunodeficiency. Last evaluated: 2022-05-13. Review status: criteria provided, single submitter. Criteria: Invitae Variant Classification Sherloc (09022015). Collection method: clinical testing. Allele origin: germline.
Comment: For these reasons, this variant has been classified as Pathogenic. Algorithms developed to predict the effect of sequence changes on RNA splicing suggest that this variant may disrupt the consensus splice site. This variant is also known as ACTg1389>ACTa and/or c608+1g>a. Disruption of this splice site has been observed in individual(s) with X-linked severe combined immunodeficiency (PMID: 7557965, 11260071). This variant is not present in population databases (gnomAD no frequency). This sequence change affects a donor splice site in intron 4 of the IL2RG gene. It is expected to disrupt RNA splicing. Variants that disrupt the donor or acceptor splice site typically lead to a loss of protein function (PMID: 16199547), and loss-of-function variants in IL2RG are known to be pathogenic (PMID: 9058718, 10794430).

Literature cited by the submitters: PubMed 7557965; PubMed 11260071; PubMed 16199547; PubMed 9058718; PubMed 10794430.